The following is an entry in ClinVar:

ClinVar aggregate classification (germline): Uncertain significance (1 of 4 stars; one submission).

Conditions:
Hypertrophic cardiomyopathy 26. Also called: Cardiomyopathy, familial hypertrophic, 26. Identifiers: Orphanet 75249, MedGen C4310749, MONDO:0014883, OMIM 617047.
Myofibrillar myopathy 5. Also called: FILAMINOPATHY, AUTOSOMAL DOMINANT; Filaminopathy (type). Identifiers: Orphanet 171445, MedGen C1836050, MONDO:0012289, OMIM 609524.
Distal myopathy with posterior leg and anterior hand involvement. Also called: WILLIAMS DISTAL MYOPATHY. Identifiers: Orphanet 63273, MedGen C3279722, MONDO:0013550, OMIM 614065.

Allele frequency attached by ClinVar (database versions not stated): gnomAD exomes 0.00001 and 0.00002; TOPMed 0.00001; gnomAD 0.00003; ExAC 0.00004.

Submission:

Labcorp Genetics (formerly Invitae), Labcorp
Classification: Uncertain significance for Distal myopathy with posterior leg and anterior hand involvement; Myofibrillar myopathy 5; Hypertrophic cardiomyopathy 26. Last evaluated: 2025-06-17. Review status: criteria provided, single submitter. Criteria: Invitae Variant Classification Sherloc (09022015). Collection method: clinical testing. Allele origin: germline.
Comment: This sequence change replaces isoleucine, which is neutral and non-polar, with methionine, which is neutral and non-polar, at codon 2237 of the FLNC protein (p.Ile2237Met). This variant is present in population databases (rs781708543, gnomAD 0.005%). This variant has not been reported in the literature in individuals affected with FLNC-related conditions. ClinVar contains an entry for this variant (Variation ID: 653940). An algorithm developed to predict the effect of missense changes on protein structure and function (PolyPhen-2) suggests that this variant is likely to be tolerated. In summary, the available evidence is currently insufficient to determine the role of this variant in disease. Therefore, it has been classified as a Variant of Uncertain Significance.

NM_001458.5(FLNC):c.6711C>G (p.Ile2237Met)

Genes: FLNC (filamin C; plus strand), FLNC-AS1 (FLNC antisense RNA 1; minus strand). Cytogenetic location: 7q32.1.
Variant type: single nucleotide variant.
Coding change: c.6711C>G on transcript NM_001458.5 (MANE Select); coding-DNA position 6711, C replaced by G.
Protein change: p.Ile2237Met; replaces isoleucine 2237 with methionine.
Molecular consequence: missense variant.
Genome position (GRCh38, 1-based): chr7:128,854,200, C>G. VCF-style: chr7-128854200-C-G. GRCh37 (hg19) VCF-style: chr7-128494254-C-G.
Other names: c.6612C>G, p.Ile2204Met (NM_001127487.2); short protein forms I2237M, I2204M.
Identifiers: ClinVar variation 653940 (VCV000653940.9), dbSNP rs781708543, ClinGen allele CA4476051.
Genomic context (GRCh38, chr7:128,854,200, plus strand): 5'-CTTCCCTGCTGTGTTTGGGGACTTCCTGGGCCGGGAGCGCCTGGGATCCTTCGGCAGCAT[C>G]ACCCGGCAGCAGGAGGGTGAGCACCGCACACTGGGCCGGCCGGGTCCTCACGGCGGGATG-3'
Protein context (NP_001449.3, residues 2227-2247): GRERLGSFGS[Ile2237Met]TRQQEGEASS